The following is an entry in ClinVar:

ClinVar aggregate classification (germline): Uncertain significance (1 of 4 stars; one submission).

Submission:

Women's Health and Genetics/Laboratory Corporation of America, LabCorp
Classification: Uncertain significance. Last evaluated: 2026-05-29. Review status: criteria provided, single submitter. Criteria: LabCorp Variant Classification Summary - May 2015. Collection method: clinical testing. Allele origin: germline.
Comment: Variant summary: GRIN2A c.2936T>C (p.Val979Ala) results in a non-conservative amino acid change in the encoded protein sequence. Algorithms developed to predict the effect of missense changes on protein structure and function are either unavailable or do not agree on the potential impact of this missense change. The variant was absent in 251306 control chromosomes. The available data on variant occurrences in the general population are insufficient to allow any conclusion about variant significance. To our knowledge, no occurrence of c.2936T>C in individuals affected with GRIN2A-related conditions and no experimental evidence demonstrating its impact on protein function have been reported. No submitters have cited clinical-significance assessments for this variant to ClinVar. Based on the evidence outlined above, the variant was classified as uncertain significance.

NM_001134407.3(GRIN2A):c.2936T>C (p.Val979Ala)

Gene: GRIN2A (glutamate ionotropic receptor NMDA type subunit 2A; minus strand). Cytogenetic location: 16p13.2.
Variant type: single nucleotide variant.
Coding change: c.2936T>C on transcript NM_001134407.3 (MANE Select); coding-DNA position 2936, T replaced by C.
Protein change: p.Val979Ala; replaces valine 979 with alanine.
Molecular consequence: missense variant.
Genome position (GRCh38, 1-based): chr16:9,764,608, A>G on the plus strand (T>C on the coding strand, the complement: GRIN2A is on the minus strand). VCF-style: chr16-9764608-A-G. GRCh37 (hg19) VCF-style: chr16-9858465-A-G.
Other names: c.2936T>C, p.Val979Ala (NM_000833.5, NM_001134408.2); short protein forms V979A.
Identifiers: ClinVar variation 4852987 (VCV004852987.1).
Genomic context (GRCh38, chr16:9,764,608, plus strand): 5'-GCCACCTCCACCGTGTTAGGGTTGGACTCATTGAGAGTAAGAGGATGTTGTCCCTGGAAT[A>G]CATAGTTATTGAGGTTATCCTTCTGCCGGTTGGCCACAAATGTTTGGAGTTCGTTCATGT-3'
Protein context (NP_001127879.1, residues 969-989): NRQKDNLNNY[Val979Ala]FQGQHPLTLN